The following is an entry in ClinVar:

NM_003970.4(MYOM2):c.1650G>C (p.Val550=)

Gene: MYOM2 (myomesin 2; plus strand). Cytogenetic location: 8p23.3.
Variant type: single nucleotide variant.
Coding change: c.1650G>C on transcript NM_003970.4 (MANE Select); coding-DNA position 1650, G replaced by C.
Protein change: p.Val550=; no amino-acid change (valine 550 retained).
Molecular consequence: synonymous variant.
Genome position (GRCh38, 1-based): chr8:2,090,013, G>C. VCF-style: chr8-2090013-G-C. GRCh37 (hg19) VCF-style: chr8-2037836-G-C.
Identifiers: ClinVar variation 3045214 (VCV003045214.2), dbSNP rs34838921, ClinGen allele CA170454964.
Genomic context (GRCh38, chr8:2,090,013, plus strand): 5'-CCTCTGGGGACCTCGCGGTTTTCACTGCCAGTCTCGTTTCTGTTTCTCTTTGTAGTCCGT[G>C]GTGGGGAGCGGCAGCTGGCAGAGAGTCAACGCCCAGACGGCTGTGAGATCCCCGAGATAT-3'
Protein context (NP_003961.3, residues 540-560): DPLMYFIEKS[Val550=]VGSGSWQRVN

ClinVar aggregate classification (germline): Benign (0 of 4 stars; one submission).

Conditions:
MYOM2-related disorder. Also called: MYOM2-related condition.

Allele frequency attached by ClinVar (database versions not stated): ExAC 0.00112; ESP Exome Variant Server 0.00408; 1000 Genomes Project 0.00559; 1000 Genomes Project 30x 0.00609.
gnomAD v4.1: 893 of 1,613,786 alleles (0.055%); highest among the groups gnomAD compares: African/African-American, 1%; 4 homozygotes.

Submission:

PreventionGenetics, part of Exact Sciences
Classification: Benign for MYOM2-related condition. Last evaluated: 2019-11-25. Review status: no assertion criteria provided. Collection method: clinical testing. Allele origin: germline.
Comment: This variant is classified as benign based on ACMG/AMP sequence variant interpretation guidelines (Richards et al. 2015 PMID: 25741868, with internal and published modifications).